The following is an entry in ClinVar:

NM_001040616.3(LINS1):c.52G>A (p.Gly18Arg)

Gene: LINS1 (lines homolog 1; minus strand). Cytogenetic location: 15q26.3.
Variant type: single nucleotide variant.
Coding change: c.52G>A on transcript NM_001040616.3 (MANE Select); coding-DNA position 52, G replaced by A.
Protein change: p.Gly18Arg; replaces glycine 18 with arginine.
Molecular consequence: missense variant. On other transcripts: 5 prime UTR variant (1), non-coding transcript variant (3).
Genome position (GRCh38, 1-based): chr15:100,580,791, C>T on the plus strand (G>A on the coding strand, the complement: LINS1 is on the minus strand). VCF-style: chr15-100580791-C-T. GRCh37 (hg19) VCF-style: chr15-101120996-C-T.
Other names: c.-858G>A (NM_001352507.2); c.52G>A, p.Gly18Arg (NM_001352508.2); short protein forms G18R.
Identifiers: ClinVar variation 520599 (VCV000520599.27), dbSNP rs141782332, ClinGen allele CA7759777.
Genomic context (GRCh38, chr15:100,580,791, plus strand): 5'-CTGAAACTGCTGGGTTGAGATAAAAGATGTAATCATGGCTGTCATTTTCAAGTGTGGCTC[C>T]AAGAAGTACCTTCTTGTATAACTCTTCTAAAACTTCACAGAAAACTTTCATTTTGACTTC-3'
Protein context (NP_001035706.2, residues 8-28): LEELYKKVLL[Gly18Arg]ATLENDSHDY

ClinVar aggregate classification (germline): Conflicting classifications of pathogenicity. Review status: criteria provided, conflicting classifications (1 of 4 stars). 4 submissions from 4 submitters: Uncertain significance (1); Likely benign (2). 1 of the submissions does not count toward it. Last evaluated 2024-09-01.

Conditions:
LINS1-related disorder. Also called: LINS1-related condition.
Inborn genetic diseases. Identifiers: MedGen C0950123, MeSH D030342.

Allele frequency attached by ClinVar (database versions not stated): gnomAD exomes 0.00019 and 0.00056; ExAC 0.00072; gnomAD 0.00202 and 0.00215; TOPMed 0.00232; 1000 Genomes Project 0.00280; ESP Exome Variant Server 0.00284; 1000 Genomes Project 30x 0.00328.
gnomAD v4.1: 619 of 1,610,368 alleles (0.038%); highest among the groups gnomAD compares: African/African-American, 0.68%; 2 homozygotes.

Submissions (4):

CeGaT Center for Human Genetics Tuebingen
Classification: Likely benign. Last evaluated: 2024-09-01. Review status: criteria provided, single submitter. Criteria: CeGaT Center For Human Genetics Tuebingen Variant Classification Criteria Version 2. Collection method: clinical testing. Allele origin: germline. Affected: yes. Observed: 1 variant allele.
Comment: LINS1: BP4

Labcorp Genetics (formerly Invitae), Labcorp
Classification: Likely benign. Last evaluated: 2019-12-31. Review status: criteria provided, single submitter. Criteria: Invitae Variant Classification Sherloc (09022015). Collection method: clinical testing. Allele origin: germline.

Ambry Genetics
Classification: Uncertain significance for Inborn genetic diseases. Last evaluated: 2018-12-24. Review status: criteria provided, single submitter. Criteria: Ambry Variant Classification Scheme 2023. Collection method: clinical testing. Allele origin: germline.
Comment: The p.G18R variant (also known as c.52G>A), located in coding exon 1 of the LINS gene, results from a G to A substitution at nucleotide position 52. The glycine at codon 18 is replaced by arginine, an amino acid with dissimilar properties. This amino acid position is well conserved in available vertebrate species. In addition, this alteration is predicted to be tolerated by in silico analysis. Since supporting evidence is limited at this time, the clinical significance of this alteration remains unclear.

PreventionGenetics, part of Exact Sciences
Classification: Likely benign for LINS1-related condition. Last evaluated: 2019-04-10. Review status: no assertion criteria provided. Collection method: clinical testing. Allele origin: germline. Not counted in ClinVar's aggregate classification.
Comment: This variant is classified as likely benign based on ACMG/AMP sequence variant interpretation guidelines (Richards et al. 2015 PMID: 25741868, with internal and published modifications).